The following is an entry in ClinVar:

ClinVar aggregate classification (germline): Likely benign (0 of 4 stars; one submission).

Conditions:
SP8-related disorder. Also called: SP8-related condition.

Allele frequency attached by ClinVar (database versions not stated): gnomAD exomes below 0.00001.

Submission:

PreventionGenetics, part of Exact Sciences
Classification: Likely benign for SP8-related condition. Last evaluated: 2020-03-25. Review status: no assertion criteria provided. Collection method: clinical testing. Allele origin: germline.
Comment: This variant is classified as likely benign based on ACMG/AMP sequence variant interpretation guidelines (Richards et al. 2015 PMID: 25741868, with internal and published modifications).

NM_182700.6(SP8):c.453T>C (p.Val151=)

Gene: SP8 (Sp8 transcription factor; minus strand). Cytogenetic location: 7p21.1.
Variant type: single nucleotide variant.
Coding change: c.453T>C on transcript NM_182700.6 (MANE Select); coding-DNA position 453, T replaced by C.
Protein change: p.Val151=; no amino-acid change (valine 151 retained).
Molecular consequence: synonymous variant.
Genome position (GRCh38, 1-based): chr7:20,785,364, A>G on the plus strand (T>C on the coding strand, the complement: SP8 is on the minus strand). VCF-style: chr7-20785364-A-G. GRCh37 (hg19) VCF-style: chr7-20824983-A-G.
Other names: c.399T>C, p.Val133= (NM_198956.4).
Identifiers: ClinVar variation 3042037 (VCV003042037.2), dbSNP rs1783636875, ClinGen allele CA454137968.